The following is an entry in ClinVar:

NM_005751.5(AKAP9):c.4190A>G (p.Gln1397Arg)

Gene: AKAP9 (A-kinase anchoring protein 9; plus strand). Cytogenetic location: 7q21.2.
Variant type: single nucleotide variant.
Coding change: c.4190A>G on transcript NM_005751.5 (MANE Select); coding-DNA position 4190, A replaced by G.
Protein change: p.Gln1397Arg; replaces glutamine 1397 with arginine.
Molecular consequence: missense variant.
Genome position (GRCh38, 1-based): chr7:92,029,936, A>G. VCF-style: chr7-92029936-A-G. GRCh37 (hg19) VCF-style: chr7-91659250-A-G.
Other names: c.4190A>G, p.Gln1397Arg (NM_147185.3); short protein forms Q1397R.
Identifiers: ClinVar variation 191516 (VCV000191516.48), dbSNP rs139612565, ClinGen allele CA236867.

ClinVar aggregate classification (germline): Benign/Likely benign. Review status: criteria provided, multiple submitters, no conflicts (2 of 4 stars). 6 submissions from 6 submitters: Benign (1); Likely benign (4). 1 of the submissions does not count toward it. Last evaluated 2025-12-09.

Conditions:
Cardiovascular phenotype. Identifiers: MedGen CN230736.
AKAP9-related disorder. Also called: AKAP9-related condition.
Long QT syndrome (LQTS). Identifiers: MedGen C0023976, MeSH D008133, MONDO:0002442. Disease mechanism: loss of function. Inheritance: Various modes of inheritance.

Allele frequency attached by ClinVar (database versions not stated): gnomAD 0.00014 and 0.00015; TOPMed 0.00014; gnomAD exomes 0.00028 and 0.00041; ESP Exome Variant Server 0.00031; ExAC 0.00042.
gnomAD v4.1: 443 of 1,613,248 alleles (0.027%); highest among the groups gnomAD compares: Middle Eastern, 0.73%; 1 homozygote.

Submissions (6):

Labcorp Genetics (formerly Invitae), Labcorp
Classification: Likely benign for Long QT syndrome. Last evaluated: 2025-12-09. Review status: criteria provided, single submitter. Criteria: Invitae Variant Classification Sherloc (09022015). Collection method: clinical testing. Allele origin: germline.

Dept of Medical Biology, Uskudar University
Classification: Likely benign for Long QT syndrome. Last evaluated: 2024-01-08. Review status: criteria provided, single submitter. Criteria: Dept of Medical Biology Variant Classification. Collection method: research. Allele origin: paternal. Affected: yes. Observed: 1 variant allele.
Comment: Criteria: BS1, BP4

CeGaT Center for Human Genetics Tuebingen
Classification: Benign. Last evaluated: 2023-06-01. Review status: criteria provided, single submitter. Criteria: CeGaT Center For Human Genetics Tuebingen Variant Classification Criteria Version 2. Collection method: clinical testing. Allele origin: germline. Affected: yes. Observed: 1 variant allele.
Comment: AKAP9: BP4, BS1, BS2

Ambry Genetics
Classification: Likely benign for Cardiovascular phenotype. Last evaluated: 2018-02-08. Review status: criteria provided, single submitter. Criteria: Ambry Variant Classification Scheme 2023. Collection method: clinical testing. Allele origin: germline.

Biesecker Lab/Clinical Genomics Section, National Institutes of Health
Classification: Likely benign. Last evaluated: 2013-06-24. Review status: criteria provided, single submitter. Criteria: Ng et al. (Circ Cardiovasc Genet. 2013). Collection method: research. Allele origin: unknown. Observed: 1 variant allele. Study: ClinSeq.
Comment: The study set was not selected for affection status in relation to any cancer. Pathogenicity categories were based on literature curation. See Pubmed ID:23861362 for details.

Medical sequencing

PreventionGenetics, part of Exact Sciences
Classification: Likely benign for AKAP9-related condition. Last evaluated: 2019-06-18. Review status: no assertion criteria provided. Collection method: clinical testing. Allele origin: germline. Not counted in ClinVar's aggregate classification.
Comment: This variant is classified as likely benign based on ACMG/AMP sequence variant interpretation guidelines (Richards et al. 2015 PMID: 25741868, with internal and published modifications).

Literature cited by the submitters: PubMed 23861362 (cited by Ambry Genetics); PubMed 24123366 (cited by Ambry Genetics).